The following is an entry in ClinVar:

NM_006073.4(TRDN):c.185C>T (p.Ala62Val)

Gene: TRDN (triadin; minus strand). Cytogenetic location: 6q22.31.
Variant type: single nucleotide variant.
Coding change: c.185C>T on transcript NM_006073.4 (MANE Select); coding-DNA position 185, C replaced by T.
Protein change: p.Ala62Val; replaces alanine 62 with valine.
Molecular consequence: missense variant.
Genome position (GRCh38, 1-based): chr6:123,570,970, G>A on the plus strand (C>T on the coding strand, the complement: TRDN is on the minus strand). VCF-style: chr6-123570970-G-A. GRCh37 (hg19) VCF-style: chr6-123892115-G-A.
Other names: c.185C>T, p.Ala62Val (NM_001407315.1, NM_001251987.2, NM_001256020.2 and 2 more transcripts); short protein forms A62V.
Identifiers: ClinVar variation 1781474 (VCV001781474.3), dbSNP rs2534609235, ClinGen allele CA365569116.

ClinVar aggregate classification (germline): Uncertain significance. Review status: criteria provided, multiple submitters, no conflicts (2 of 4 stars). 2 submissions from 2 submitters: Uncertain significance (2). Last evaluated 2023-10-29.

Conditions:
Cardiovascular phenotype. Identifiers: MedGen CN230736.

Allele frequency attached by ClinVar (database versions not stated): gnomAD exomes below 0.00001.
gnomAD v4.1: 3 of 1,613,954 alleles (0.00019%); highest among the groups gnomAD compares: Non-Finnish European, 0.00025%; no homozygotes.

Submissions (2):

Women's Health and Genetics/Laboratory Corporation of America, LabCorp
Classification: Uncertain significance. Last evaluated: 2023-10-29. Review status: criteria provided, single submitter. Criteria: LabCorp Variant Classification Summary - May 2015. Collection method: clinical testing. Allele origin: germline.

Ambry Genetics
Classification: Uncertain significance for Cardiovascular phenotype. Last evaluated: 2022-03-11. Review status: criteria provided, single submitter. Criteria: Ambry Variant Classification Scheme 2023. Collection method: clinical testing. Allele origin: germline.
Comment: The p.A62V variant (also known as c.185C>T), located in coding exon 2 of the TRDN gene, results from a C to T substitution at nucleotide position 185. The alanine at codon 62 is replaced by valine, an amino acid with similar properties. This amino acid position is conserved. In addition, the in silico prediction for this alteration is inconclusive. Since supporting evidence is limited at this time, the clinical significance of this alteration remains unclear.